The following is an entry in ClinVar:

ClinVar aggregate classification (germline): Pathogenic (1 of 4 stars; one submission).

Conditions:
Intellectual disability, autosomal dominant 14 (CSS2). Also called: COFFIN-SIRIS SYNDROME 2. Identifiers: Orphanet 1465, MedGen C3553247, MONDO:0013819, OMIM 614607.

Submission:

New York Genome Center
Classification: Pathogenic for Intellectual disability, autosomal dominant 14. Last evaluated: 2021-10-02. Review status: criteria provided, single submitter. Criteria: NYGC Assertion Criteria 2020. Collection method: clinical testing. Allele origin: de novo. Affected: yes. Observed: 1 heterozygote. Study: PrenatalSEQ.
Comment: The c.1507C>T p.(Gln503Ter) variant has not previously been reported in the literature or public variant repositories (ClinVar and LOVD), and is absent from population databases (gnomAD v2.1.1 and v3.1.1, TOPMed Freeze 5) suggesting it is not a common benign variant in the populations represented in those databases. The c.1507C>T variant is located in exon 3 of this 20-exon gene, predicted to incorporate a premature termination codon, and is expected to result in loss-of-function via nonsense mediated decay. Multiple loss-of-function variants that are upstream to the c.1507C>T variant have been reported in the literature [PMID: 22426308, 23929686] and ClinVar [ClinVar ID: 560946, 1177329] in individuals with Coffin-Siris syndrome 2. Based on the available evidence this de novo c.1507C>T variant in ARID1A is classified here as Pathogenic.

NM_006015.6(ARID1A):c.1507C>T (p.Gln503Ter)

Gene: ARID1A (AT-rich interaction domain 1A; plus strand). Cytogenetic location: 1p36.11.
Variant type: single nucleotide variant.
Coding change: c.1507C>T on transcript NM_006015.6 (MANE Select); coding-DNA position 1507, C replaced by T.
Protein change: p.Gln503Ter; replaces glutamine 503 with a stop codon.
Molecular consequence: nonsense.
Genome position (GRCh38, 1-based): chr1:26,731,308, C>T. VCF-style: chr1-26731308-C-T. GRCh37 (hg19) VCF-style: chr1-27057799-C-T.
Other names: c.1507C>T, p.Gln503Ter (NM_139135.4); short protein forms Q503*.
Identifiers: ClinVar variation 3235938 (VCV003235938.1), dbSNP rs2124788629, ClinGen allele CA339268227.